The following is an entry in ClinVar:

ClinVar aggregate classification (germline): Pathogenic (1 of 4 stars; one submission).

Submission:

GeneDx
Classification: Pathogenic. Last evaluated: 2024-02-22. Review status: criteria provided, single submitter. Criteria: GeneDx Variant Classification Process June 2021. Collection method: clinical testing. Allele origin: germline. Affected: yes.
Comment: Nonsense variant predicted to result in protein truncation or nonsense mediated decay in a gene for which loss of function is a known mechanism of disease; Not observed at significant frequency in large population cohorts (gnomAD); Has not been previously published as pathogenic or benign to our knowledge

NM_022455.5(NSD1):c.2494A>T (p.Lys832Ter)

Gene: NSD1 (nuclear receptor binding SET domain protein 1; plus strand). Cytogenetic location: 5q35.3.
Variant type: single nucleotide variant.
Coding change: c.2494A>T on transcript NM_022455.5 (MANE Select); coding-DNA position 2494, A replaced by T.
Protein change: p.Lys832Ter; replaces lysine 832 with a stop codon.
Molecular consequence: nonsense.
Genome position (GRCh38, 1-based): chr5:177,210,893, A>T. VCF-style: chr5-177210893-A-T. GRCh37 (hg19) VCF-style: chr5-176637894-A-T.
Other names: c.1621A>T, p.Lys541Ter (NM_001365684.2, NM_001409306.1, NM_001409307.1 and 3 more transcripts); c.2494A>T, p.Lys832Ter (NM_001409301.1, NM_001409302.1, NM_001409303.1); c.2074A>T, p.Lys692Ter (NM_001409304.1); c.1741A>T, p.Lys581Ter (NM_001409305.1); short protein forms K832*, K563*, K541*, K581*, K692*.
Identifiers: ClinVar variation 620571 (VCV000620571.2), dbSNP rs1562209222, ClinGen allele CA362318222.